The following is an entry in ClinVar:

ClinVar aggregate classification (germline): Uncertain significance (1 of 4 stars; one submission).

Submission:

Mayo Clinic Laboratories, Mayo Clinic
Classification: Uncertain significance. Last evaluated: 2025-04-28. Review status: criteria provided, single submitter. Criteria: ACMG Guidelines, 2015. Collection method: clinical testing. Allele origin: germline. Observed: 1 variant allele.
Comment: PP3, PM2_supporting

NM_032861.4(SERAC1):c.1829-10T>G

Gene: SERAC1 (serine active site containing 1; minus strand). Cytogenetic location: 6q25.3.
Variant type: single nucleotide variant.
Coding change: c.1829-10T>G on transcript NM_032861.4 (MANE Select); 10 bases into the intron before coding-DNA position 1829, T replaced by G.
Molecular consequence: intron variant.
Genome position (GRCh38, 1-based): chr6:158,111,512, A>C on the plus strand (T>G on the coding strand, the complement: SERAC1 is on the minus strand). VCF-style: chr6-158111512-A-C. GRCh37 (hg19) VCF-style: chr6-158532544-A-C.
Other names: p.?.
Identifiers: ClinVar variation 4541244 (VCV004541244.1).